The following is an entry in ClinVar:

ClinVar aggregate classification (germline): Conflicting classifications of pathogenicity. Review status: criteria provided, conflicting classifications (1 of 4 stars). 23 submissions from 23 submitters: Uncertain significance (3); Benign (4); Likely benign (11). 5 of the submissions do not count toward it. Last evaluated 2026-09-01.

Conditions:
Cardiovascular phenotype. Identifiers: MedGen CN230736.
Dilated cardiomyopathy 1HH (CMD1HH). Identifiers: Orphanet 154, MedGen C3151293, MONDO:0013479, OMIM 613881.
Myofibrillar myopathy 6. Identifiers: Orphanet 199340, MedGen C2751831, MONDO:0013061, OMIM 612954.
Primary dilated cardiomyopathy (DCM). Also called: Dilated Cardiomyopathy. Identifiers: Orphanet 217604, MedGen C0007193, MeSH D002311, MONDO:0005021, HP:0001644. Inheritance: Various modes of inheritance.

Allele frequency attached by ClinVar (database versions not stated): 1000 Genomes Project 30x 0.00031; 1000 Genomes Project 0.00040; gnomAD exomes 0.00064; gnomAD 0.00075 and 0.00085; ExAC 0.00076; TOPMed 0.00077; ESP Exome Variant Server 0.00085.
gnomAD v4.1: 1,573 of 1,614,222 alleles (0.097%); highest among the groups gnomAD compares: Non-Finnish European, 0.13%; 1 homozygote.

Submissions (23):

CeGaT Center for Human Genetics Tuebingen
Classification: Benign. Last evaluated: 2026-09-01. Review status: criteria provided, single submitter. Criteria: CeGaT Center For Human Genetics Tuebingen Variant Classification Criteria Version 2. Collection method: clinical testing. Allele origin: germline. Affected: yes. Observed: 6 variant alleles.
Comment: BAG3: BS1, BS2

Labcorp Genetics (formerly Invitae), Labcorp
Classification: Likely benign for Dilated cardiomyopathy 1HH; Myofibrillar myopathy 6. Last evaluated: 2026-02-01. Review status: criteria provided, single submitter. Criteria: Invitae Variant Classification Sherloc (09022015). Collection method: clinical testing. Allele origin: germline.

Molecular Diagnostic Laboratory for Inherited Cardiovascular Disease, Montreal Heart Institute
Classification: Likely benign. Last evaluated: 2025-04-09. Review status: criteria provided, single submitter. Criteria: ACMG Guidelines, 2015. Collection method: clinical testing. Allele origin: germline. Affected: no.
Comment: BS1, BS4, BP6

Mayo Clinic Laboratories, Mayo Clinic
Classification: Likely benign. Last evaluated: 2025-03-19. Review status: criteria provided, single submitter. Criteria: ACMG Guidelines, 2015. Collection method: clinical testing. Allele origin: germline. Observed: 10 variant alleles.
Comment: BS1, PP3

Blueprint Genetics
Classification: Likely benign. Last evaluated: 2024-11-21. Review status: criteria provided, single submitter. Criteria: ACMG Guidelines, 2015. Collection method: clinical testing. Allele origin: germline.

Women's Health and Genetics/Laboratory Corporation of America, LabCorp
Classification: Likely benign. Last evaluated: 2023-10-01. Review status: criteria provided, single submitter. Criteria: LabCorp Variant Classification Summary - May 2015. Collection method: clinical testing. Allele origin: germline.

ARUP Laboratories, Molecular Genetics and Genomics, ARUP Laboratories
Classification: Likely benign. Last evaluated: 2023-05-30. Review status: criteria provided, single submitter. Criteria: ARUP Molecular Germline Variant Investigation Process 2024. Collection method: clinical testing. Allele origin: germline.

GeneDx
Classification: Benign. Last evaluated: 2020-01-23. Review status: criteria provided, single submitter. Criteria: GeneDx Variant Classification Process June 2021. Collection method: clinical testing. Allele origin: germline. Affected: yes.
Comment: This variant is associated with the following publications: (PMID: 21353195, 21459883, 27042682, 27896284, 23861362, 26350513, 26886200, 28798025)

Klaassen Lab, Charite University Medicine Berlin
Classification: Uncertain significance for Primary dilated cardiomyopathy. Last evaluated: 2019-07-03. Review status: criteria provided, single submitter. Criteria: ACMG Guidelines, 2015. Collection method: research. Allele origin: germline. Affected: yes.

Mendelics
Classification: Benign for Myofibrillar myopathy 6. Last evaluated: 2019-05-28. Review status: criteria provided, single submitter. Criteria: Mendelics Assertion Criteria 2017. Collection method: clinical testing. Allele origin: unknown.

Ambry Genetics
Classification: Likely benign for Cardiovascular phenotype. Last evaluated: 2019-03-19. Review status: criteria provided, single submitter. Criteria: Ambry Variant Classification Scheme 2023. Collection method: clinical testing. Allele origin: germline.

Athena Diagnostics
Classification: Benign. Last evaluated: 2017-05-05. Review status: criteria provided, single submitter. Criteria: Athena Diagnostics Criteria. Collection method: clinical testing. Allele origin: germline.

Center for Pediatric Genomic Medicine, Children's Mercy Hospital and Clinics
Classification: Likely benign. Last evaluated: 2017-04-12. Review status: criteria provided, single submitter. Criteria: ACMG Guidelines, 2015. Collection method: clinical testing. Allele origin: germline.

Laboratory for Molecular Medicine, Mass General Brigham Personalized Medicine
Classification: Uncertain significance. Last evaluated: 2016-04-14. Review status: criteria provided, single submitter. Criteria: LMM Criteria. Collection method: clinical testing. Allele origin: germline. Observed: 2 variant alleles.
Comment: Variant classified as Uncertain Significance - Favor Benign. The p.Ile94Phe vari ant in BAG3 has been identified in 0.1% (89/66712) of European chromosomes by th e Exome Aggregation Consortium (ExAC; dbSNP rs14 5393807). It has been reported in 2 individuals with DCM, though it reportedly d id not segregate with disease in 1 affected relative (Norton 2011, Villard 2011) . Computational prediction tools and conservation analysis do not provide strong support for or against an impac t to the protein. In summary, while the clinical significance of the p.Ile94Phe variant is uncertain, its frequency and lack of segregation with disease suggest s that it is more likely to be benign.

Stanford Center for Inherited Cardiovascular Disease, Stanford University
Classification: Uncertain significance. Last evaluated: 2015-09-17. Review status: criteria provided, single submitter. Criteria: ACMG Guidelines, 2015. Collection method: provider interpretation. Allele origin: germline.

Eurofins Ntd Llc (ga)
Classification: Likely benign. Last evaluated: 2015-02-16. Review status: criteria provided, single submitter. Criteria: EGL Classification Definitions 2015. Collection method: clinical testing. Allele origin: germline. Observed: 1 variant allele, 1 heterozygote.

Biesecker Lab/Clinical Genomics Section, National Institutes of Health
Classification: Likely benign. Last evaluated: 2013-06-24. Review status: criteria provided, single submitter. Criteria: Ng et al. (Circ Cardiovasc Genet. 2013). Collection method: research. Allele origin: unknown. Observed: 3 variant alleles. Study: ClinSeq.
Comment: The study set was not selected for affection status in relation to any cancer. Pathogenicity categories were based on literature curation. See Pubmed ID:23861362 for details.

Medical sequencing

PreventionGenetics, part of Exact Sciences
Classification: Likely benign. Review status: criteria provided, single submitter. Criteria: ACMG Guidelines, 2015. Collection method: clinical testing. Allele origin: germline.

Clinical Genetics, Academic Medical Center
Classification: Likely benign. Review status: no assertion criteria provided. Collection method: clinical testing. Allele origin: germline. Affected: yes. Study: VKGL Data-share Consensus. Not counted in ClinVar's aggregate classification.

Diagnostic Laboratory, Department of Genetics, University Medical Center Groningen
Classification: Likely benign. Review status: no assertion criteria provided. Collection method: clinical testing. Allele origin: germline. Affected: yes. Study: VKGL Data-share Consensus. Not counted in ClinVar's aggregate classification.

Genome Diagnostics Laboratory, University Medical Center Utrecht
Classification: Likely benign. Review status: no assertion criteria provided. Collection method: clinical testing. Allele origin: germline. Affected: yes. Study: VKGL Data-share Consensus. Not counted in ClinVar's aggregate classification.

Joint Genome Diagnostic Labs from Nijmegen and Maastricht, Radboudumc and MUMC+
Classification: Likely benign. Review status: no assertion criteria provided. Collection method: clinical testing. Allele origin: germline. Affected: yes. Study: VKGL Data-share Consensus. Not counted in ClinVar's aggregate classification.

Laboratory of Diagnostic Genome Analysis, Leiden University Medical Center (LUMC)
Classification: Likely benign. Review status: no assertion criteria provided. Collection method: clinical testing. Allele origin: germline. Affected: yes. Study: VKGL Data-share Consensus. Not counted in ClinVar's aggregate classification.

Literature cited by the submitters: PubMed 21459883 (cited by 4 submitters); PubMed 27042682 (cited by 3 submitters); PubMed 27896284 (cited by 3 submitters); PubMed 28798025 (cited by Mayo Clinic Laboratories, Mayo Clinic and Ambry Genetics); PubMed 31333075 (cited by Klaassen Lab, Charite University Medicine Berlin); PubMed 31568572 (cited by Klaassen Lab, Charite University Medicine Berlin); PubMed 21353195 (cited by 3 submitters); PubMed 23861362 (cited by Ambry Genetics).

NM_004281.4(BAG3):c.280A>T (p.Ile94Phe)

Gene: BAG3 (BAG cochaperone 3; plus strand). Cytogenetic location: 10q26.11.
Variant type: single nucleotide variant.
Coding change: c.280A>T on transcript NM_004281.4 (MANE Select); coding-DNA position 280, A replaced by T.
Protein change: p.Ile94Phe; replaces isoleucine 94 with phenylalanine.
Molecular consequence: missense variant.
Genome position (GRCh38, 1-based): chr10:119,669,950, A>T. VCF-style: chr10-119669950-A-T. GRCh37 (hg19) VCF-style: chr10-121429462-A-T.
Other names: p.I94F:ATT>TTT; short protein forms I94F.
Identifiers: ClinVar variation 178007 (VCV000178007.64), dbSNP rs145393807, ClinGen allele CA181165.